The following is an entry in ClinVar:

ClinVar aggregate classification (germline): Uncertain significance (1 of 4 stars; one submission).

gnomAD v4.1: 3 of 1,614,178 alleles (0.00019%); highest among the groups gnomAD compares: East Asian, 0.0067%; no homozygotes.

Submission:

Ambry Genetics
Classification: Uncertain significance. Last evaluated: 2024-12-28. Review status: criteria provided, single submitter. Criteria: Ambry Variant Classification Scheme 2023. Collection method: clinical testing. Allele origin: germline.
Comment: The p.R307G variant (also known as c.919A>G), located in coding exon 1 of the CDK12 gene, results from an A to G substitution at nucleotide position 919. The arginine at codon 307 is replaced by glycine, an amino acid with dissimilar properties. This amino acid position is conserved. In addition, this alteration is predicted to be tolerated by in silico analysis. Based on the available evidence, the clinical significance of this variant remains unclear.

NM_016507.4(CDK12):c.919A>G (p.Arg307Gly)

Genes: CDK12 (cyclin dependent kinase 12; plus strand), LOC126862553 (CDK7 strongly-dependent group 2 enhancer GRCh37_chr17:37618166-37619365; plus strand). Cytogenetic location: 17q12.
Variant type: single nucleotide variant.
Coding change: c.919A>G on transcript NM_016507.4 (MANE Select); coding-DNA position 919, A replaced by G.
Protein change: p.Arg307Gly; replaces arginine 307 with glycine.
Molecular consequence: missense variant.
Genome position (GRCh38, 1-based): chr17:39,462,990, A>G. VCF-style: chr17-39462990-A-G. GRCh37 (hg19) VCF-style: chr17-37619243-A-G.
Other names: c.919A>G, p.Arg307Gly (NM_015083.4); short protein forms R307G.
Identifiers: ClinVar variation 3830418 (VCV003830418.1).